The following is an entry in ClinVar:

ClinVar aggregate classification (germline): Uncertain significance (1 of 4 stars; one submission).

Conditions:
Gastrointestinal stromal tumor. Also called: Gastrointestinal stromal tumor, somatic; Gastrointestinal stroma tumor. Identifiers: Orphanet 44890, MedGen C0238198, MeSH D046152, MONDO:0011719, OMIM 606764, HP:0100723.

Submission:

Labcorp Genetics (formerly Invitae), Labcorp
Classification: Uncertain significance for Gastrointestinal stromal tumor. Last evaluated: 2024-12-02. Review status: criteria provided, single submitter. Criteria: Invitae Variant Classification Sherloc (09022015). Collection method: clinical testing. Allele origin: germline.
Comment: This sequence change replaces glutamine, which is neutral and polar, with proline, which is neutral and non-polar, at codon 40 of the PDGFRA protein (p.Gln40Pro). This variant is not present in population databases (gnomAD no frequency). This variant has not been reported in the literature in individuals affected with PDGFRA-related conditions. Invitae Evidence Modeling of protein sequence and biophysical properties (such as structural, functional, and spatial information, amino acid conservation, physicochemical variation, residue mobility, and thermodynamic stability) indicates that this missense variant is not expected to disrupt PDGFRA protein function with a negative predictive value of 80%. In summary, the available evidence is currently insufficient to determine the role of this variant in disease. Therefore, it has been classified as a Variant of Uncertain Significance.

NM_006206.6(PDGFRA):c.119A>C (p.Gln40Pro)

Gene: PDGFRA (platelet derived growth factor receptor alpha; plus strand). Cytogenetic location: 4q12.
Variant type: single nucleotide variant.
Coding change: c.119A>C on transcript NM_006206.6 (MANE Select); coding-DNA position 119, A replaced by C.
Protein change: p.Gln40Pro; replaces glutamine 40 with proline.
Molecular consequence: missense variant.
Genome position (GRCh38, 1-based): chr4:54,261,164, A>C. VCF-style: chr4-54261164-A-C. GRCh37 (hg19) VCF-style: chr4-55127331-A-C.
Other names: c.119A>C, p.Gln40Pro (NM_001347827.2, NM_001347829.2); c.194A>C, p.Gln65Pro (NM_001347828.2); c.158A>C, p.Gln53Pro (NM_001347830.2); short protein forms Q40P, Q53P, Q65P.
Identifiers: ClinVar variation 3664685 (VCV003664685.2).